The following is an entry in ClinVar:

ClinVar aggregate classification (germline): Benign/Likely benign. Review status: criteria provided, multiple submitters, no conflicts (2 of 4 stars). 4 submissions from 3 submitters: Benign (3); Likely benign (1). Last evaluated 2025-08-07.

Conditions:
Waardenburg syndrome. Also called: Waardenburg's syndrome. Identifiers: Orphanet 3440, MedGen C3266898, MONDO:0018094.
PCWH syndrome. Also called: WAARDENBURG-SHAH SYNDROME, NEUROLOGIC VARIANT. Identifiers: Orphanet 163746, MedGen C1836727, MONDO:0012198, OMIM 609136.

Allele frequency attached by ClinVar (database versions not stated): gnomAD below 0.00001 and 0.00006; gnomAD exomes 0.00012 and 0.00029; ExAC 0.00044; TOPMed 0.00002.
gnomAD v4.1: 179 of 1,544,854 alleles (0.012%); highest among the groups gnomAD compares: South Asian, 0.2%; 2 homozygotes.

Submissions (4):

Labcorp Genetics (formerly Invitae), Labcorp
Classification: Benign. Last evaluated: 2025-08-07. Review status: criteria provided, single submitter. Criteria: Invitae Variant Classification Sherloc (09022015). Collection method: clinical testing. Allele origin: germline.

Blueprint Genetics
Classification: Likely benign. Last evaluated: 2024-10-25. Review status: criteria provided, single submitter. Criteria: ACMG Guidelines, 2015. Collection method: clinical testing. Allele origin: germline.

Illumina Laboratory Services, Illumina
Classification: Benign for Waardenburg syndrome. Last evaluated: 2018-01-13. Review status: criteria provided, single submitter. Criteria: ICSL Variant Classification Criteria 13 December 2019. Collection method: clinical testing. Allele origin: germline.
Comment: This variant was observed in the ICSL laboratory as part of a predisposition screen in an ostensibly healthy population. It had not been previously curated by ICSL or reported in the Human Gene Mutation Database (HGMD: prior to June 1st, 2018), and was therefore a candidate for classification through an automated scoring system. Utilizing variant allele frequency, disease prevalence and penetrance estimates, and inheritance mode, an automated score was calculated to assess if this variant is too frequent to cause the disease. Based on the score and internal cut-off values, a variant classified as benign is not then subjected to further curation. The score for this variant resulted in a classification of benign for this disease.

Illumina Laboratory Services, Illumina
Classification: Benign for PCWH syndrome. Last evaluated: 2018-01-13. Review status: criteria provided, single submitter. Criteria: ICSL Variant Classification Criteria 13 December 2019. Collection method: clinical testing. Allele origin: germline.
Comment: the same text as in the submission from Illumina Laboratory Services, Illumina above.

NM_006941.4(SOX10):c.429-12A>G

Genes: POLR2F (RNA polymerase II, I and III subunit F; plus strand), SOX10 (SRY-box transcription factor 10; minus strand). Cytogenetic location: 22q13.1.
Variant type: single nucleotide variant.
Coding change: c.429-12A>G on transcript NM_006941.4 (MANE Select); 12 bases into the intron before coding-DNA position 429, A replaced by G.
Molecular consequence: intron variant.
Genome position (GRCh38, 1-based): chr22:37,978,147, T>C on the plus strand (A>G on the coding strand, the complement: SOX10 is on the minus strand). VCF-style: chr22-37978147-T-C. GRCh37 (hg19) VCF-style: chr22-38374154-T-C.
Other names: c.*38+5837T>C (NM_001363825.1); c.294-8007T>C (NM_001301130.2); c.293+10977T>C (NM_001301131.2).
Identifiers: ClinVar variation 341621 (VCV000341621.11), dbSNP rs753723642, ClinGen allele CA10228672.
Genomic context (GRCh38, chr22:37,978,147, plus strand): 5'-CCGCTCAGCCTCCTCGATGAAGGGGCGCTTGTCACTTTCGTTCAGCAGCCTGGGGTGTGG[T>C]GGGAGGCGGAGAGGACAGCAGAGGGGCTGGCGTGAATGCCAGAGCACTCCAGGTTGGCCT-3'